The following is an entry in ClinVar:

ClinVar aggregate classification (germline): Likely benign. Review status: criteria provided, multiple submitters, no conflicts (2 of 4 stars). 3 submissions from 3 submitters: Likely benign (2). 1 of the submissions does not count toward it. Last evaluated 2025-12-30.

Conditions:
DiGeorge syndrome. Also called: THIRD AND FOURTH PHARYNGEAL POUCH SYNDROME; Catch22. Identifiers: Orphanet 567, MedGen C0012236, MONDO:0008564, OMIM 188400.
TBX1-related disorder. Also called: TBX1-Related Disorders; TBX1-related condition.

Allele frequency attached by ClinVar (database versions not stated): gnomAD 0.00010 and 0.00011; ExAC 0.00014; TOPMed 0.00032.
gnomAD v4.1: 136 of 1,544,214 alleles (0.0088%); highest among the groups gnomAD compares: Admixed American, 0.25%; 1 homozygote.

Submissions (3):

Labcorp Genetics (formerly Invitae), Labcorp
Classification: Likely benign for DiGeorge syndrome. Last evaluated: 2025-12-30. Review status: criteria provided, single submitter. Criteria: Invitae Variant Classification Sherloc (09022015). Collection method: clinical testing. Allele origin: germline.

Blueprint Genetics
Classification: Likely benign. Last evaluated: 2021-11-30. Review status: criteria provided, single submitter. Criteria: ACMG Guidelines, 2015. Collection method: clinical testing. Allele origin: germline.

PreventionGenetics, part of Exact Sciences
Classification: Likely benign for TBX1-related condition. Last evaluated: 2023-12-07. Review status: no assertion criteria provided. Collection method: clinical testing. Allele origin: germline. Not counted in ClinVar's aggregate classification.
Comment: This variant is classified as likely benign based on ACMG/AMP sequence variant interpretation guidelines (Richards et al. 2015 PMID: 25741868, with internal and published modifications).

NM_001379200.1(TBX1):c.936-8G>T

Gene: TBX1 (T-box transcription factor 1; plus strand). Cytogenetic location: 22q11.21.
Variant type: single nucleotide variant.
Coding change: c.936-8G>T on transcript NM_001379200.1 (MANE Select); 8 bases into the intron before coding-DNA position 936, G replaced by T.
Molecular consequence: intron variant.
Genome position (GRCh38, 1-based): chr22:19,765,894, G>T. VCF-style: chr22-19765894-G-T. GRCh37 (hg19) VCF-style: chr22-19753417-G-T.
Other names: c.909-8G>T (NM_005992.1, NM_080646.2, NM_080647.1).
Identifiers: ClinVar variation 705079 (VCV000705079.13), dbSNP rs753380966, ClinGen allele CA10102635.